The following is an entry in ClinVar:

ClinVar aggregate classification (germline): Uncertain significance (1 of 4 stars; one submission).

Submission:

Labcorp Genetics (formerly Invitae), Labcorp
Classification: Uncertain significance. Last evaluated: 2025-12-22. Review status: criteria provided, single submitter. Criteria: Invitae Variant Classification Sherloc (09022015). Collection method: clinical testing. Allele origin: germline.
Comment: This sequence change replaces valine, which is neutral and non-polar, with leucine, which is neutral and non-polar, at codon 1723 of the RAI1 protein (p.Val1723Leu). This variant is not present in population databases (gnomAD no frequency). This variant has not been reported in the literature in individuals affected with RAI1-related conditions. Invitae Evidence Modeling of protein sequence and biophysical properties (such as structural, functional, and spatial information, amino acid conservation, physicochemical variation, residue mobility, and thermodynamic stability) indicates that this missense variant is not expected to disrupt RAI1 protein function with a negative predictive value of 80%. In summary, the available evidence is currently insufficient to determine the role of this variant in disease. Therefore, it has been classified as a Variant of Uncertain Significance.

NM_030665.4(RAI1):c.5167G>T (p.Val1723Leu)

Gene: RAI1 (retinoic acid induced 1; plus strand). Cytogenetic location: 17p11.2.
Variant type: single nucleotide variant.
Coding change: c.5167G>T on transcript NM_030665.4 (MANE Select); coding-DNA position 5167, G replaced by T.
Protein change: p.Val1723Leu; replaces valine 1723 with leucine.
Molecular consequence: missense variant.
Genome position (GRCh38, 1-based): chr17:17,798,115, G>T. VCF-style: chr17-17798115-G-T. GRCh37 (hg19) VCF-style: chr17-17701429-G-T.
Other names: short protein forms V1723L.
Identifiers: ClinVar variation 4725043 (VCV004725043.1).